The following is an entry in ClinVar:

NM_001024845.3(SLC6A9):c.690C>T (p.Leu230=)

Gene: SLC6A9 (solute carrier family 6 member 9; minus strand). Cytogenetic location: 1p34.1.
Variant type: single nucleotide variant.
Coding change: c.690C>T on transcript NM_001024845.3 (MANE Select); coding-DNA position 690, C replaced by T.
Protein change: p.Leu230=; no amino-acid change (leucine 230 retained).
Molecular consequence: synonymous variant. On other transcripts: non-coding transcript variant (1).
Genome position (GRCh38, 1-based): chr1:44,002,886, G>A on the plus strand (C>T on the coding strand, the complement: SLC6A9 is on the minus strand). VCF-style: chr1-44002886-G-A. GRCh37 (hg19) VCF-style: chr1-44468558-G-A.
Other names: c.702C>T, p.Leu234= (NM_001261380.2); c.357C>T, p.Leu119= (NM_001328626.2, NM_001328630.2); c.627C>T, p.Leu209= (NM_001328627.1); c.495C>T, p.Leu165= (NM_001328628.1); c.690C>T, p.Leu230= (NM_001328629.1); c.747C>T, p.Leu249= (NM_006934.4); c.909C>T, p.Leu303= (NM_201649.4).
Identifiers: ClinVar variation 2038750 (VCV002038750.12), dbSNP rs201865688, ClinGen allele CA817733.

ClinVar aggregate classification (germline): Likely benign. Review status: criteria provided, multiple submitters, no conflicts (2 of 4 stars). 2 submissions from 2 submitters: Likely benign (2). Last evaluated 2025-12-27.

Conditions:
Atypical glycine encephalopathy. Also called: Glycine encephalopathy with normal serum glycine. Identifiers: Orphanet 289863, MedGen C4310943, MONDO:0015010, OMIM 617301.

Allele frequency attached by ClinVar (database versions not stated): gnomAD 0.00005; TOPMed 0.00006; ExAC 0.00008; ESP Exome Variant Server 0.00008; gnomAD exomes 0.00012.
gnomAD v4.1: 188 of 1,614,040 alleles (0.012%); highest among the groups gnomAD compares: Middle Eastern, 0.033%; 1 homozygote.

Submissions (2):

Labcorp Genetics (formerly Invitae), Labcorp
Classification: Likely benign for Atypical glycine encephalopathy. Last evaluated: 2025-12-27. Review status: criteria provided, single submitter. Criteria: Invitae Variant Classification Sherloc (09022015). Collection method: clinical testing. Allele origin: germline.

CeGaT Center for Human Genetics Tuebingen
Classification: Likely benign. Last evaluated: 2025-06-01. Review status: criteria provided, single submitter. Criteria: CeGaT Center For Human Genetics Tuebingen Variant Classification Criteria Version 2. Collection method: clinical testing. Allele origin: germline. Affected: yes. Observed: 1 variant allele.
Comment: SLC6A9: BP4